The following is an entry in ClinVar:

ClinVar aggregate classification (germline): Pathogenic/Likely pathogenic. Review status: criteria provided, multiple submitters, no conflicts (2 of 4 stars). 2 submissions from 2 submitters: Pathogenic (1); Likely pathogenic (1). Last evaluated 2024-06-07.

Conditions:
Mucopolysaccharidosis, MPS-II (MPS2). Also called: Mucopolysaccharidosis type 2; IDS deficiency; Sulfoiduronate sulfatase deficiency; SIDS deficiency; Attenuated MPS (subtype; formerly known as mild MPS II); Severe MPS II. Identifiers: Orphanet 580, Orphanet 79388, MedGen C0026705, MONDO:0010674, OMIM 309900.

Submissions (2):

Laboratory of Diagnosis and Therapy of Lysosomal Disorders, University of Padova
Classification: Pathogenic for Mucopolysaccharidosis, MPS-II. Last evaluated: 2024-06-07. Review status: criteria provided, single submitter. Criteria: ACMG Guidelines, 2015. Collection method: literature only. Allele origin: germline. Affected: yes. Observed: 2 variant alleles.
Comment: De novo (PS2_Moderate), Absent from controls (or at low frequency) in gnomAD database (PM2_Moderate), Missense variant in a gene with a low rate of benign missense variation (PP2_Supporting), Multiple lines of computational evidence support a deleterious effect (PP3_Supporting), Patient’s phenotype or family history highly specific for the disease (PP4_Strong)

Classification method: ACMG Guidelines [PMID:25741868] with modifications

GeneDx
Classification: Likely pathogenic. Last evaluated: 2017-07-19. Review status: criteria provided, single submitter. Criteria: GeneDx Variant Classification (06012015). Collection method: clinical testing. Allele origin: germline. Affected: yes.
Comment: The I230F variant in the IDS gene has been reported previously in an individual with a suspected clinical diagnosis of MPS II, however, confirmatory biochemical studies including glycosaminoglycans and enzyme analysis were not included (Pollard et al., 2013). The I230F variant is not observed in large population cohorts (Lek et al., 2016; 1000 Genomes Consortium et al., 2015; Exome Variant Server). The I230F variant is a conservative amino acid substitution, which is not likely to impact secondary protein structure as these residues share similar properties. However, this substitution occurs at a position that is conserved across species, and in silico analysis predicts this variant is probably damaging to the protein structure/function. Missense variants in nearby residues (Y225D, K227Q, K227E, K227M, P228A, P228T, P228Q, P228L, H229Y, H229R, H229Q, P231L, R233G) have been reported in the Human Gene Mutation Database in association with MPS II (Stenson et al., 2014), supporting the functional importance of this region of the protein. We interpret I230F as a likely pathogenic variant.

Literature cited by the submitters: PubMed 35225932 (cited by Laboratory of Diagnosis and Therapy of Lysosomal Disorders, University of Padova); PubMed 22976768 (cited by Laboratory of Diagnosis and Therapy of Lysosomal Disorders, University of Padova).

NM_000202.8(IDS):c.688A>T (p.Ile230Phe)

Genes: IDS (iduronate 2-sulfatase; minus strand), LOC106050102 (IDS recombination region; plus strand). Cytogenetic location: Xq28.
Variant type: single nucleotide variant.
Coding change: c.688A>T on transcript NM_000202.8 (MANE Select); coding-DNA position 688, A replaced by T.
Protein change: p.Ile230Phe; replaces isoleucine 230 with phenylalanine.
Molecular consequence: missense variant. On other transcripts: non-coding transcript variant (1).
Genome position (GRCh38, 1-based): chrX:149,498,127, T>A on the plus strand (A>T on the coding strand, the complement: IDS is on the minus strand). VCF-style: chrX-149498127-T-A. GRCh37 (hg19) VCF-style: chrX-148579658-T-A.
Other names: c.418A>T, p.Ile140Phe (NM_001166550.4); c.688A>T, p.Ile230Phe (NM_006123.5); short protein forms I230F, I140F.
Identifiers: ClinVar variation 449348 (VCV000449348.4), dbSNP rs1557339507, ClinGen allele CA414522170.